The following is an entry in ClinVar:

NM_000292.3(PHKA2):c.2407G>A (p.Val803Ile)

Gene: PHKA2 (phosphorylase kinase regulatory subunit alpha 2; minus strand). Cytogenetic location: Xp22.13.
Variant type: single nucleotide variant.
Coding change: c.2407G>A on transcript NM_000292.3 (MANE Select); coding-DNA position 2407, G replaced by A.
Protein change: p.Val803Ile; replaces valine 803 with isoleucine.
Molecular consequence: missense variant.
Genome position (GRCh38, 1-based): chrX:18,908,010, C>T on the plus strand (G>A on the coding strand, the complement: PHKA2 is on the minus strand). VCF-style: chrX-18908010-C-T. GRCh37 (hg19) VCF-style: chrX-18926128-C-T.
Other names: short protein forms V803I.
Identifiers: ClinVar variation 1464304 (VCV001464304.8), dbSNP rs766866500, ClinGen allele CA10361642.

ClinVar aggregate classification (germline): Uncertain significance. Review status: criteria provided, multiple submitters, no conflicts (2 of 4 stars). 2 submissions from 2 submitters: Uncertain significance (2). Last evaluated 2021-08-28.

Conditions:
Glycogen storage disease IXa1. Also called: GLYCOGEN STORAGE DISEASE VIII; GSD VIII; Glycogen storage disease 8; LIVER GLYCOGENOSIS, X-LINKED, TYPE I. Identifiers: Orphanet 264580, MedGen C3694531, MONDO:0010598, OMIM 306000.

Allele frequency attached by ClinVar (database versions not stated): ExAC 0.00001; gnomAD exomes 0.00001; TOPMed 0.00001.
gnomAD v4.1: 8 of 1,209,209 alleles (0.00066%); highest among the groups gnomAD compares: East Asian, 0.003%; no homozygotes.

Submissions (2):

Labcorp Genetics (formerly Invitae), Labcorp
Classification: Uncertain significance for Glycogen storage disease IXa1. Last evaluated: 2021-08-28. Review status: criteria provided, single submitter. Criteria: Invitae Variant Classification Sherloc (09022015). Collection method: clinical testing. Allele origin: germline.
Comment: Algorithms developed to predict the effect of missense changes on protein structure and function are either unavailable or do not agree on the potential impact of this missense change (SIFT: "Deleterious"; PolyPhen-2: "Benign"; Align-GVGD: "Class C0"). In summary, the available evidence is currently insufficient to determine the role of this variant in disease. Therefore, it has been classified as a Variant of Uncertain Significance. This variant has not been reported in the literature in individuals affected with PHKA2-related conditions. This variant is present in population databases (rs766866500, ExAC 0.01%). This sequence change replaces valine with isoleucine at codon 803 of the PHKA2 protein (p.Val803Ile). The valine residue is highly conserved and there is a small physicochemical difference between valine and isoleucine.

Laboratorio de Genetica e Diagnostico Molecular, Hospital Israelita Albert Einstein
Classification: Uncertain significance. Last evaluated: 2020-02-19. Review status: criteria provided, single submitter. Criteria: ACMG Guidelines, 2015. Collection method: clinical testing. Allele origin: germline. Affected: yes.
Comment: ACMG classification criteria: PM2